The following is an entry in ClinVar:

ClinVar aggregate classification (germline): Uncertain significance (1 of 4 stars; one submission).

gnomAD v4.1: 1 of 1,613,062 alleles (0.000062%); highest among the groups gnomAD compares: South Asian, 0.0011%; no homozygotes.

Submission:

GeneDx
Classification: Uncertain significance. Last evaluated: 2023-07-31. Review status: criteria provided, single submitter. Criteria: GeneDx Variant Classification Process June 2021. Collection method: clinical testing. Allele origin: germline. Affected: yes.
Comment: Not observed at significant frequency in large population cohorts (gnomAD); In silico analysis supports that this missense variant has a deleterious effect on protein structure/function; Has not been previously published as pathogenic or benign to our knowledge

NM_016284.5(CNOT1):c.1310C>T (p.Pro437Leu)

Gene: CNOT1 (CCR4-NOT transcription complex subunit 1; minus strand). Cytogenetic location: 16q21.
Variant type: single nucleotide variant.
Coding change: c.1310C>T on transcript NM_016284.5 (MANE Select); coding-DNA position 1310, C replaced by T.
Protein change: p.Pro437Leu; replaces proline 437 with leucine.
Molecular consequence: missense variant. On other transcripts: non-coding transcript variant (1).
Genome position (GRCh38, 1-based): chr16:58,580,666, G>A on the plus strand (C>T on the coding strand, the complement: CNOT1 is on the minus strand). VCF-style: chr16-58580666-G-A. GRCh37 (hg19) VCF-style: chr16-58614570-G-A.
Other names: c.1310C>T, p.Pro437Leu (NM_001265612.2, NM_206999.3); short protein forms P437L.
Identifiers: ClinVar variation 3361787 (VCV003361787.1).